The following is an entry in ClinVar:

NM_001363711.2(DUOX2):c.4604G>A (p.Arg1535Lys)

Gene: DUOX2 (dual oxidase 2; minus strand). Cytogenetic location: 15q21.1.
Variant type: single nucleotide variant.
Coding change: c.4604G>A on transcript NM_001363711.2 (MANE Select); coding-DNA position 4604, G replaced by A.
Protein change: p.Arg1535Lys; replaces arginine 1535 with lysine.
Molecular consequence: missense variant.
Genome position (GRCh38, 1-based): chr15:45,094,193, C>T on the plus strand (G>A on the coding strand, the complement: DUOX2 is on the minus strand). VCF-style: chr15-45094193-C-T. GRCh37 (hg19) VCF-style: chr15-45386391-C-T.
Other names: c.4604G>A, p.Arg1535Lys (NM_014080.5); short protein forms R1535K.
Identifiers: ClinVar variation 1354142 (VCV001354142.3), dbSNP rs2141138526, ClinGen allele CA392249080.

ClinVar aggregate classification (germline): Uncertain significance (1 of 4 stars; one submission).

Allele frequency attached by ClinVar (database versions not stated): gnomAD exomes below 0.00001.
gnomAD v4.1: 1 of 1,614,124 alleles (0.000062%); highest among the groups gnomAD compares: Non-Finnish European, 0.000085%; no homozygotes.

Submission:

Labcorp Genetics (formerly Invitae), Labcorp
Classification: Uncertain significance. Last evaluated: 2021-11-23. Review status: criteria provided, single submitter. Criteria: Invitae Variant Classification Sherloc (09022015). Collection method: clinical testing. Allele origin: germline.
Comment: This sequence change replaces arginine, which is basic and polar, with lysine, which is basic and polar, at codon 1535 of the DUOX2 protein (p.Arg1535Lys). This variant is not present in population databases (gnomAD no frequency). This variant has not been reported in the literature in individuals affected with DUOX2-related conditions. Advanced modeling of protein sequence and biophysical properties (such as structural, functional, and spatial information, amino acid conservation, physicochemical variation, residue mobility, and thermodynamic stability) performed at Invitae indicates that this missense variant is not expected to disrupt DUOX2 protein function. In summary, the available evidence is currently insufficient to determine the role of this variant in disease. Therefore, it has been classified as a Variant of Uncertain Significance.